The following is an entry in ClinVar:

NM_001923.5(DDB1):c.562C>T (p.Arg188Trp)

Gene: DDB1 (damage specific DNA binding protein 1; minus strand). Cytogenetic location: 11q12.2.
Variant type: single nucleotide variant.
Coding change: c.562C>T on transcript NM_001923.5 (MANE Select); coding-DNA position 562, C replaced by T.
Protein change: p.Arg188Trp; replaces arginine 188 with tryptophan.
Molecular consequence: missense variant.
Genome position (GRCh38, 1-based): chr11:61,326,881, G>A on the plus strand (C>T on the coding strand, the complement: DDB1 is on the minus strand). VCF-style: chr11-61326881-G-A. GRCh37 (hg19) VCF-style: chr11-61094353-G-A.
Other names: c.562C>T (NM_001923.3); short protein forms R188W.
Identifiers: ClinVar variation 1183955 (VCV001183955.6), dbSNP rs2134935103, ClinGen allele CA380665894.
Genomic context (GRCh38, chr11:61,326,881, plus strand): 5'-TCCAAGGGCCCTTATTGAATTCCTTTTCTCGGAGAGACACCTCATAGGTTTTTACGTGCC[G>A]CCCCTGAGGGTCCTGGGGGGGAAAGGTAAAATGGTTAGCCCTTAGGAAGGGTGAGCCTTG-3'
Protein context (NP_001914.3, residues 178-198): ICFVYQDPQG[Arg188Trp]HVKTYEVSLR

ClinVar aggregate classification (germline): Pathogenic/Likely pathogenic. Review status: criteria provided, multiple submitters, no conflicts (2 of 4 stars). 3 submissions from 3 submitters: Pathogenic (1); Likely pathogenic (1). 1 of the submissions does not count toward it. Last evaluated 2026-05-22.

Conditions:
White-Kernohan syndrome. Also called: GLOBAL DEVELOPMENTAL DELAY, HYPOTONIA, AND CHARACTERISTIC FACIAL FEATURES. Identifiers: MedGen C5543635, MONDO:0859169, OMIM 619426.

Allele frequency attached by ClinVar (database versions not stated): gnomAD exomes below 0.00001.
gnomAD v4.1: 1 of 1,613,440 alleles (0.000062%); highest among the groups gnomAD compares: Non-Finnish European, 0.000085%; no homozygotes.

Submissions (3):

Ambry Genetics
Classification: Likely pathogenic. Last evaluated: 2026-05-22. Review status: criteria provided, single submitter. Criteria: Ambry Variant Classification Scheme 2023. Collection method: clinical testing. Allele origin: germline.
Comment: The c.562C>T (p.R188W) alteration is located in exon 5 (coding exon 5) of the DDB1 gene. This alteration results from a C to T substitution at nucleotide position 562, causing the arginine (R) at amino acid position 188 to be replaced by a tryptophan (W). This variant was not reported in population-based cohorts in the Genome Aggregation Database (gnomAD). This variant was determined to be de novo in at least one individual with features consistent with DDB1-related neurodevelopmental disorder (White, 2021). This amino acid position is highly conserved in available vertebrate species. Based on internal structural analysis, this variant is anticipated to result in a significant decrease in structural stability (White, 2021; Sabicki, 2025). This alteration is predicted to be deleterious by in silico analysis. Based on the available evidence, this alteration is classified as likely pathogenic.

GeneDx
Classification: Pathogenic. Last evaluated: 2024-07-12. Review status: criteria provided, single submitter. Criteria: GeneDx Variant Classification Process June 2021. Collection method: clinical testing. Allele origin: germline. Affected: yes.
Comment: In silico analysis supports that this missense variant has a deleterious effect on protein structure/function; Not observed at significant frequency in large population cohorts (gnomAD); This variant is associated with the following publications: (PMID: 33743206)

OMIM
Classification: Pathogenic for WHITE-KERNOHAN SYNDROME. Last evaluated: 2021-07-20. Review status: no assertion criteria provided. Collection method: literature only. Allele origin: germline. Not counted in ClinVar's aggregate classification.

Literature cited by the submitters: PubMed 33743206 (cited by Ambry Genetics and OMIM); PubMed 40845806 (cited by Ambry Genetics).